The following is an entry in ClinVar:

ClinVar aggregate classification (germline): Uncertain significance. Review status: criteria provided, multiple submitters, no conflicts (2 of 4 stars). 3 submissions from 3 submitters: Uncertain significance (3). Last evaluated 2025-01-12.

Conditions:
Inborn genetic diseases. Identifiers: MedGen C0950123, MeSH D030342.
Epilepsy, idiopathic generalized, susceptibility to, 11 (EIG11). Identifiers: Orphanet 307, MedGen C2750893, MONDO:0011875, OMIM 607628.
Familial hyperaldosteronism type II. Also called: FH II. Identifiers: Orphanet 404, MedGen C1854107, MONDO:0011576, OMIM 605635.
Leukoencephalopathy with mild cerebellar ataxia and white matter edema (LKPAT). Also called: CLCN2-Related Leukoencephalopathy; Leukoencephalopathy with white matter edema; Brain white matter edema; Leukoencephalopathy with ataxia. Identifiers: Orphanet 363540, MedGen C4554120, MONDO:0014292, OMIM 615651. Disease mechanism: loss of function.

Allele frequency attached by ClinVar (database versions not stated): gnomAD exomes below 0.00001; gnomAD 0.00001; TOPMed 0.00001.
gnomAD v4.1: 7 of 1,613,824 alleles (0.00043%); highest among the groups gnomAD compares: African/African-American, 0.0027%; no homozygotes.

Submissions (3):

Labcorp Genetics (formerly Invitae), Labcorp
Classification: Uncertain significance. Last evaluated: 2025-01-12. Review status: criteria provided, single submitter. Criteria: Invitae Variant Classification Sherloc (09022015). Collection method: clinical testing. Allele origin: germline.
Comment: This sequence change replaces histidine, which is basic and polar, with arginine, which is basic and polar, at codon 210 of the CLCN2 protein (p.His210Arg). This variant is not present in population databases (gnomAD no frequency). This variant has not been reported in the literature in individuals affected with CLCN2-related conditions. ClinVar contains an entry for this variant (Variation ID: 2521344). Invitae Evidence Modeling of protein sequence and biophysical properties (such as structural, functional, and spatial information, amino acid conservation, physicochemical variation, residue mobility, and thermodynamic stability) indicates that this missense variant is expected to disrupt CLCN2 protein function with a positive predictive value of 80%. In summary, the available evidence is currently insufficient to determine the role of this variant in disease. Therefore, it has been classified as a Variant of Uncertain Significance.

Fulgent Genetics
Classification: Uncertain significance for Familial hyperaldosteronism type II; Epilepsy, idiopathic generalized, susceptibility to, 11; Leukoencephalopathy with mild cerebellar ataxia and white matter edema. Last evaluated: 2024-02-06. Review status: criteria provided, single submitter. Criteria: ACMG Guidelines, 2015. Collection method: clinical testing. Allele origin: germline.

Ambry Genetics
Classification: Uncertain significance for Inborn genetic diseases. Last evaluated: 2023-03-21. Review status: criteria provided, single submitter. Criteria: Ambry Variant Classification Scheme 2023. Collection method: clinical testing. Allele origin: germline.

NM_004366.6(CLCN2):c.629A>G (p.His210Arg)

Gene: CLCN2 (chloride voltage-gated channel 2; minus strand). Cytogenetic location: 3q27.1.
Variant type: single nucleotide variant.
Coding change: c.629A>G on transcript NM_004366.6 (MANE Select); coding-DNA position 629, A replaced by G.
Protein change: p.His210Arg; replaces histidine 210 with arginine.
Molecular consequence: missense variant.
Genome position (GRCh38, 1-based): chr3:184,357,843, T>C on the plus strand (A>G on the coding strand, the complement: CLCN2 is on the minus strand). VCF-style: chr3-184357843-T-C. GRCh37 (hg19) VCF-style: chr3-184075631-T-C.
Other names: c.629A>G, p.His210Arg (NM_001171087.3, NM_001171089.3); c.497A>G, p.His166Arg (NM_001171088.3); short protein forms H210R, H166R.
Identifiers: ClinVar variation 2521344 (VCV002521344.5), dbSNP rs1232762048, ClinGen allele CA355456449.
Genomic context (GRCh38, chr3:184,357,843, plus strand): 5'-TAGATACCCCCAAAGAGGGAGAGGAACTTGCTGAGAAGGGCAGCACACATGCTTGCGATA[T>C]GCACAAAAGGGCCCTGCGGGGTGGGGCAGGCGGTGAGTCGGGAGGGGGCCCGCCCTGACC-3'
Protein context (NP_004357.3, residues 200-220): MPLGKEGPFV[His210Arg]IASMCAALLS